The following is an entry in ClinVar:

NM_004082.5(DCTN1):c.2951C>T (p.Ala984Val)

Gene: DCTN1 (dynactin subunit 1; minus strand). Cytogenetic location: 2p13.1.
Variant type: single nucleotide variant.
Coding change: c.2951C>T on transcript NM_004082.5 (MANE Select); coding-DNA position 2951, C replaced by T.
Protein change: p.Ala984Val; replaces alanine 984 with valine.
Molecular consequence: missense variant. On other transcripts: non-coding transcript variant (1).
Genome position (GRCh38, 1-based): chr2:74,365,593, G>A on the plus strand (C>T on the coding strand, the complement: DCTN1 is on the minus strand). VCF-style: chr2-74365593-G-A. GRCh37 (hg19) VCF-style: chr2-74592720-G-A.
Other names: c.2840C>T, p.Ala947Val (NM_001190836.2); c.2930C>T, p.Ala977Val (NM_001190837.2); c.2900C>T, p.Ala967Val (NM_001378991.1); c.2882C>T, p.Ala961Val (NM_001378992.1); c.2549C>T, p.Ala850Val (NM_023019.4, NM_001135041.3); c.2891C>T, p.Ala964Val (NM_001135040.3); short protein forms A947V, A967V, A977V, A984V, A850V, A964V, A961V.
Identifiers: ClinVar variation 1949183 (VCV001949183.5), dbSNP rs2529104837, ClinGen allele CA347341631.

ClinVar aggregate classification (germline): Uncertain significance (1 of 4 stars; one submission).

Conditions:
Amyotrophic lateral sclerosis type 1 (ALS1). Also called: AMYOTROPHIC LATERAL SCLEROSIS 1, FAMILIAL. Identifiers: Orphanet 803, MedGen C1862939, MONDO:0007103, OMIM 105400.
Neuronopathy, distal hereditary motor, type 7B. Also called: NEURONOPATHY, DISTAL HEREDITARY MOTOR, AUTOSOMAL DOMINANT 14; NEURONOPATHY, DISTAL HEREDITARY MOTOR, HARDING TYPE VIIB; NEUROPATHY, DISTAL HEREDITARY MOTOR, HARDING TYPE VIIB; NEUROPATHY, DISTAL HEREDITARY MOTOR, WITH VOCAL CORD PARALYSIS, HARDING TYPE VIIB; HMN VIIB; LOWER MOTOR NEURON DISEASE, DYNACTIN TYPE. Identifiers: Orphanet 139589, MedGen C1843315, MONDO:0011879, OMIM 607641.
Perry syndrome. Also called: PARKINSONISM WITH ALVEOLAR HYPOVENTILATION AND MENTAL DEPRESSION. Identifiers: Orphanet 178509, MedGen C1868594, MONDO:0008201, OMIM 168605.

Submission:

Labcorp Genetics (formerly Invitae), Labcorp
Classification: Uncertain significance for Amyotrophic lateral sclerosis type 1; Neuronopathy, distal hereditary motor, type 7B; Perry syndrome. Last evaluated: 2022-04-13. Review status: criteria provided, single submitter. Criteria: Invitae Variant Classification Sherloc (09022015). Collection method: clinical testing. Allele origin: germline.
Comment: In summary, the available evidence is currently insufficient to determine the role of this variant in disease. Therefore, it has been classified as a Variant of Uncertain Significance. Algorithms developed to predict the effect of missense changes on protein structure and function are either unavailable or do not agree on the potential impact of this missense change (SIFT: "Deleterious"; PolyPhen-2: "Benign"; Align-GVGD: "Class C55"). This variant has not been reported in the literature in individuals affected with DCTN1-related conditions. This variant is not present in population databases (gnomAD no frequency). This sequence change replaces alanine, which is neutral and non-polar, with valine, which is neutral and non-polar, at codon 984 of the DCTN1 protein (p.Ala984Val).